The following is an entry in ClinVar:

ClinVar aggregate classification (germline): Uncertain significance (1 of 4 stars; one submission).

Conditions:
Hereditary cancer-predisposing syndrome. Also called: Tumor predisposition; Hereditary neoplastic syndrome; Hereditary Cancer Syndrome; Neoplastic Syndromes, Hereditary. Identifiers: Orphanet 140162, MedGen C0027672, MeSH D009386, MONDO:0015356.

Submission:

Ambry Genetics
Classification: Uncertain significance for Hereditary cancer-predisposing syndrome. Last evaluated: 2025-09-27. Review status: criteria provided, single submitter. Criteria: Ambry Variant Classification Scheme 2023. Collection method: clinical testing. Allele origin: germline.
Comment: The p.P178R variant (also known as c.533C>G), located in coding exon 5 of the EPCAM gene, results from a C to G substitution at nucleotide position 533. The proline at codon 178 is replaced by arginine, an amino acid with dissimilar properties. This amino acid position is conserved. In addition, this alteration is predicted to be tolerated by in silico analysis. Since supporting evidence is limited at this time, the clinical significance of this alteration remains unclear.

NM_002354.3(EPCAM):c.533C>G (p.Pro178Arg)

Gene: EPCAM (epithelial cell adhesion molecule; plus strand). Cytogenetic location: 2p21.
Variant type: single nucleotide variant.
Coding change: c.533C>G on transcript NM_002354.3 (MANE Select); coding-DNA position 533, C replaced by G.
Protein change: p.Pro178Arg; replaces proline 178 with arginine.
Molecular consequence: missense variant.
Genome position (GRCh38, 1-based): chr2:47,377,055, C>G. VCF-style: chr2-47377055-C-G. GRCh37 (hg19) VCF-style: chr2-47604194-C-G.
Other names: short protein forms P178R.
Identifiers: ClinVar variation 3222121 (VCV003222121.2), dbSNP rs772471530, ClinGen allele CA346724025.
Genomic context (GRCh38, chr2:47,377,055, plus strand): 5'-GATTTTAAATTCTTTACAGTGCACTTCAGAAGGAGATCACAACGCGTTATCAACTGGATC[C>G]AAAATTTATCACGAGTATTTTGGTATGATTTTTTAATAAGTGAGCTTTAGCAGACAGTTG-3'
Protein context (NP_002345.2, residues 168-188): KEITTRYQLD[Pro178Arg]KFITSILYEN